The following is an entry in ClinVar:

NM_198578.4(LRRK2):c.5821C>A (p.Arg1941Ser)

Gene: LRRK2 (leucine rich repeat kinase 2; plus strand). Cytogenetic location: 12q12.
Variant type: single nucleotide variant.
Coding change: c.5821C>A on transcript NM_198578.4 (MANE Select); coding-DNA position 5821, C replaced by A.
Protein change: p.Arg1941Ser; replaces arginine 1941 with serine.
Molecular consequence: missense variant.
Genome position (GRCh38, 1-based): chr12:40,335,030, C>A. VCF-style: chr12-40335030-C-A. GRCh37 (hg19) VCF-style: chr12-40728832-C-A.
Other names: short protein forms R1941S.
Identifiers: ClinVar variation 1749898 (VCV001749898.5), dbSNP rs1945826453, ClinGen allele CA384402041.

ClinVar aggregate classification (germline): Uncertain significance. Review status: criteria provided, multiple submitters, no conflicts (2 of 4 stars). 2 submissions from 2 submitters: Uncertain significance (2). Last evaluated 2025-07-01.

Conditions:
Autosomal dominant Parkinson disease 8. Also called: LRRK2-Related Parkinson Disease; Parkinson disease 8; Parkinson disease 8, susceptibility to. Identifiers: Orphanet 411602, MedGen C1846862, MONDO:0011764, OMIM 607060.
Inborn genetic diseases. Identifiers: MedGen C0950123, MeSH D030342.

gnomAD v4.1: 1 of 1,614,126 alleles (0.000062%); highest among the groups gnomAD compares: Non-Finnish European, 0.000085%; no homozygotes.

Submissions (2):

Labcorp Genetics (formerly Invitae), Labcorp
Classification: Uncertain significance for Autosomal dominant Parkinson disease 8. Last evaluated: 2025-07-01. Review status: criteria provided, single submitter. Criteria: Invitae Variant Classification Sherloc (09022015). Collection method: clinical testing. Allele origin: germline.
Comment: This sequence change replaces arginine, which is basic and polar, with serine, which is neutral and polar, at codon 1941 of the LRRK2 protein (p.Arg1941Ser). This variant is not present in population databases (gnomAD no frequency). This variant has not been reported in the literature in individuals affected with LRRK2-related conditions. ClinVar contains an entry for this variant (Variation ID: 1749898). Invitae Evidence Modeling of protein sequence and biophysical properties (such as structural, functional, and spatial information, amino acid conservation, physicochemical variation, residue mobility, and thermodynamic stability) has been performed for this missense variant. However, the output from this modeling did not meet the statistical confidence thresholds required to predict the impact of this variant on LRRK2 protein function. In summary, the available evidence is currently insufficient to determine the role of this variant in disease. Therefore, it has been classified as a Variant of Uncertain Significance.

Ambry Genetics
Classification: Uncertain significance for Inborn genetic diseases. Last evaluated: 2022-06-23. Review status: criteria provided, single submitter. Criteria: Ambry Variant Classification Scheme 2023. Collection method: clinical testing. Allele origin: germline.
Comment: The p.R1941S variant (also known as c.5821C>A), located in coding exon 40 of the LRRK2 gene, results from a C to A substitution at nucleotide position 5821. The arginine at codon 1941 is replaced by serine, an amino acid with dissimilar properties. This amino acid position is conserved. In addition, this alteration is predicted to be tolerated by in silico analysis. Since supporting evidence is limited at this time, the clinical significance of this alteration remains unclear.